The following is an entry in ClinVar:

ClinVar aggregate classification (germline): Uncertain significance. Review status: criteria provided, multiple submitters, no conflicts (2 of 4 stars). 2 submissions from 2 submitters: Uncertain significance (2). Last evaluated 2025-12-02.

Allele frequency attached by ClinVar (database versions not stated): gnomAD 0.00001; gnomAD exomes 0.00001; TOPMed 0.00003.
gnomAD v4.1: 16 of 1,614,090 alleles (0.00099%); highest among the groups gnomAD compares: Non-Finnish European, 0.0013%; no homozygotes.

Submissions (2):

Ambry Genetics
Classification: Uncertain significance. Last evaluated: 2025-12-02. Review status: criteria provided, single submitter. Criteria: Ambry Variant Classification Scheme 2023. Collection method: clinical testing. Allele origin: germline.

Labcorp Genetics (formerly Invitae), Labcorp
Classification: Uncertain significance. Last evaluated: 2024-10-13. Review status: criteria provided, single submitter. Criteria: Invitae Variant Classification Sherloc (09022015). Collection method: clinical testing. Allele origin: germline.
Comment: This sequence change replaces arginine, which is basic and polar, with cysteine, which is neutral and slightly polar, at codon 410 of the DSCAML1 protein (p.Arg410Cys). This variant is present in population databases (no rsID available, gnomAD 0.002%). This variant has not been reported in the literature in individuals affected with DSCAML1-related conditions. An algorithm developed to predict the effect of missense changes on protein structure and function (PolyPhen-2) suggests that this variant is likely to be disruptive. In summary, the available evidence is currently insufficient to determine the role of this variant in disease. Therefore, it has been classified as a Variant of Uncertain Significance.

NM_020693.4(DSCAML1):c.1048C>T (p.Arg350Cys)

Gene: DSCAML1 (DS cell adhesion molecule like 1; minus strand). Cytogenetic location: 11q23.3.
Variant type: single nucleotide variant.
Coding change: c.1048C>T on transcript NM_020693.4 (MANE Select); coding-DNA position 1048, C replaced by T.
Protein change: p.Arg350Cys; replaces arginine 350 with cysteine.
Molecular consequence: missense variant.
Genome position (GRCh38, 1-based): chr11:117,521,295, G>A on the plus strand (C>T on the coding strand, the complement: DSCAML1 is on the minus strand). VCF-style: chr11-117521295-G-A. GRCh37 (hg19) VCF-style: chr11-117392010-G-A.
Other names: c.1048C>T, p.Arg350Cys (NM_001367904.1); c.640C>T, p.Arg214Cys (NM_001367905.1); short protein forms R214C, R350C.
Identifiers: ClinVar variation 3085890 (VCV003085890.4), dbSNP rs1260152977, ClinGen allele CA382748209.
Genomic context (GRCh38, chr11:117,521,295, plus strand): 5'-TCTCGTTGCTGAGCCCGCGGATGGAGATGGCCTCGTCAGGCAGCACCAGCTCCGTGTTGC[G>A]ATACCAGCGGATGGTGAACTCTGGGGAGCCCGTCAGGGCACAGGAGAGGATGACCGTGCT-3'
Protein context (NP_065744.3, residues 340-360): GSPEFTIRWY[Arg350Cys]NTELVLPDEA